The following is an entry in ClinVar:

ClinVar aggregate classification (germline): Uncertain significance (1 of 4 stars; one submission).

Conditions:
Combined oxidative phosphorylation defect type 13. Also called: Combined oxidative phosphorylation deficiency 13. Identifiers: Orphanet 319514, MedGen C4706283, MONDO:0013977, OMIM 614932.

gnomAD v4.1: 2 of 1,613,882 alleles (0.00012%); highest among the groups gnomAD compares: Non-Finnish European, 0.00017%; no homozygotes.

Submission:

Baylor Genetics
Classification: Uncertain significance for Combined oxidative phosphorylation defect type 13. Last evaluated: 2018-06-22. Review status: criteria provided, single submitter. Criteria: ACMG Guidelines, 2015. Collection method: clinical testing. Allele origin: maternal. Affected: yes.
Comment: This variant was determined to be of uncertain significance according to ACMG Guidelines, 2015 [PMID:25741868].

NM_033109.5(PNPT1):c.2012A>T (p.Asp671Val)

Gene: PNPT1 (polyribonucleotide nucleotidyltransferase 1; minus strand). Cytogenetic location: 2p16.1.
Variant type: single nucleotide variant.
Coding change: c.2012A>T on transcript NM_033109.5 (MANE Select); coding-DNA position 2012, A replaced by T.
Protein change: p.Asp671Val; replaces aspartic acid 671 with valine.
Molecular consequence: missense variant.
Genome position (GRCh38, 1-based): chr2:55,643,320, T>A on the plus strand (A>T on the coding strand, the complement: PNPT1 is on the minus strand). VCF-style: chr2-55643320-T-A. GRCh37 (hg19) VCF-style: chr2-55870455-T-A.
Other names: short protein forms D671V.
Identifiers: ClinVar variation 1034186 (VCV001034186.1), dbSNP rs144252007, ClinGen allele CA1667855.
Genomic context (GRCh38, chr2:55,643,320, plus strand): 5'-AAAAAGTAGAAAAAACAAATATAGCTATATGATACGTAATTAATATGATCTATACTTACA[T>A]CATCCTTGCAGATTTCAGTAATGAAGTCTCTTGCCTCATGCATAGCACTGGGTGTTGGTG-3'
Protein context (NP_149100.2, residues 661-681): RDFITEICKD[Asp671Val]QEQQLEFGAV